The following is an entry in ClinVar:

NM_016953.4(PDE11A):c.1438G>C (p.Ala480Pro)

Gene: PDE11A (phosphodiesterase 11A; minus strand). Cytogenetic location: 2q31.2.
Variant type: single nucleotide variant.
Coding change: c.1438G>C on transcript NM_016953.4 (MANE Select); coding-DNA position 1438, G replaced by C.
Protein change: p.Ala480Pro; replaces alanine 480 with proline.
Molecular consequence: missense variant.
Genome position (GRCh38, 1-based): chr2:177,840,313, C>G on the plus strand (G>C on the coding strand, the complement: PDE11A is on the minus strand). VCF-style: chr2-177840313-C-G. GRCh37 (hg19) VCF-style: chr2-178705040-C-G.
Other names: c.106G>C, p.Ala36Pro (NM_001077196.2); c.688G>C, p.Ala230Pro (NM_001077197.2); c.364G>C, p.Ala122Pro (NM_001077358.2); short protein forms A122P, A230P, A36P, A480P.
Identifiers: ClinVar variation 1706307 (VCV001706307.2), dbSNP rs776044222, ClinGen allele CA349701646.

ClinVar aggregate classification (germline): Uncertain significance (1 of 4 stars; one submission).

gnomAD v4.1: 1 of 1,613,886 alleles (0.000062%); highest among the groups gnomAD compares: Non-Finnish European, 0.000085%; no homozygotes.

Submission:

GeneDx
Classification: Uncertain significance. Last evaluated: 2022-03-14. Review status: criteria provided, single submitter. Criteria: GeneDx Variant Classification Process June 2021. Collection method: clinical testing. Allele origin: germline. Affected: yes.
Comment: Not observed at significant frequency in large population cohorts (gnomAD); In silico analysis supports that this missense variant has a deleterious effect on protein structure/function; Has not been previously published as pathogenic or benign to our knowledge